The following is an entry in ClinVar:

ClinVar aggregate classification (germline): Uncertain significance. Review status: criteria provided, multiple submitters, no conflicts (2 of 4 stars). 2 submissions from 2 submitters: Uncertain significance (2). Last evaluated 2025-08-09.

Conditions:
Inborn genetic diseases. Identifiers: MedGen C0950123, MeSH D030342.

Submissions (2):

Ambry Genetics
Classification: Uncertain significance for Inborn genetic diseases. Last evaluated: 2025-08-09. Review status: criteria provided, single submitter. Criteria: Ambry Variant Classification Scheme 2023. Collection method: clinical testing. Allele origin: germline.
Comment: The p.K932T variant (also known as c.2795A>C), located in coding exon 13 of the ASXL1 gene, results from an A to C substitution at nucleotide position 2795. The lysine at codon 932 is replaced by threonine, an amino acid with similar properties. This amino acid position is conserved. In addition, this alteration is predicted to be tolerated by in silico analysis. Based on the available evidence, the clinical significance of this variant remains unclear.

Labcorp Genetics (formerly Invitae), Labcorp
Classification: Uncertain significance. Last evaluated: 2024-01-22. Review status: criteria provided, single submitter. Criteria: Invitae Variant Classification Sherloc (09022015). Collection method: clinical testing. Allele origin: germline.
Comment: This sequence change replaces lysine, which is basic and polar, with threonine, which is neutral and polar, at codon 932 of the ASXL1 protein (p.Lys932Thr). This variant is not present in population databases (gnomAD no frequency). This variant has not been reported in the literature in individuals affected with ASXL1-related conditions. Algorithms developed to predict the effect of missense changes on protein structure and function output the following: SIFT: "Not Available"; PolyPhen-2: "Benign"; Align-GVGD: "Not Available". The threonine amino acid residue is found in multiple mammalian species, which suggests that this missense change does not adversely affect protein function. In summary, the available evidence is currently insufficient to determine the role of this variant in disease. Therefore, it has been classified as a Variant of Uncertain Significance.

NM_015338.6(ASXL1):c.2795A>C (p.Lys932Thr)

Gene: ASXL1 (ASXL transcriptional regulator 1; plus strand). Cytogenetic location: 20q11.21.
Variant type: single nucleotide variant.
Coding change: c.2795A>C on transcript NM_015338.6 (MANE Select); coding-DNA position 2795, A replaced by C.
Protein change: p.Lys932Thr; replaces lysine 932 with threonine.
Molecular consequence: missense variant.
Genome position (GRCh38, 1-based): chr20:32,435,507, A>C. VCF-style: chr20-32435507-A-C. GRCh37 (hg19) VCF-style: chr20-31023310-A-C.
Other names: c.2612A>C, p.Lys871Thr (NM_001363734.1); short protein forms K871T, K932T.
Identifiers: ClinVar variation 2761894 (VCV002761894.4), dbSNP rs2515571516, ClinGen allele CA408561296.
Genomic context (GRCh38, chr20:32,435,507, plus strand): 5'-AACCAGAATCCAGAGAACACATACCATCTGTTGAGCCCCAGGTTGGAGAGGAGTGGGAGA[A>C]AGCTGCTCCCACCCCTCCTGCATTGCCTGGGGATTTGACAGCTGAGGAGGGTCTAGATCC-3'
Protein context (NP_056153.2, residues 922-942): VEPQVGEEWE[Lys932Thr]AAPTPPALPG